The following is an entry in ClinVar:

NM_031310.3(PLVAP):c.863G>A (p.Arg288Gln)

Gene: PLVAP (plasmalemma vesicle associated protein; minus strand). Cytogenetic location: 19p13.11.
Variant type: single nucleotide variant.
Coding change: c.863G>A on transcript NM_031310.3 (MANE Select); coding-DNA position 863, G replaced by A.
Protein change: p.Arg288Gln; replaces arginine 288 with glutamine.
Molecular consequence: missense variant.
Genome position (GRCh38, 1-based): chr19:17,365,602, C>T on the plus strand (G>A on the coding strand, the complement: PLVAP is on the minus strand). VCF-style: chr19-17365602-C-T. GRCh37 (hg19) VCF-style: chr19-17476411-C-T.
Other names: short protein forms R288Q.
Identifiers: ClinVar variation 1957525 (VCV001957525.2), dbSNP rs150260311, ClinGen allele CA9293948.

ClinVar aggregate classification (germline): Uncertain significance (1 of 4 stars; one submission).

Allele frequency attached by ClinVar (database versions not stated): ExAC 0.00003; TOPMed 0.00003; gnomAD 0.00005.
gnomAD v4.1: 23 of 1,612,926 alleles (0.0014%); highest among the groups gnomAD compares: African/African-American, 0.0093%; no homozygotes.

Submission:

Labcorp Genetics (formerly Invitae), Labcorp
Classification: Uncertain significance. Last evaluated: 2022-07-30. Review status: criteria provided, single submitter. Criteria: Invitae Variant Classification Sherloc (09022015). Collection method: clinical testing. Allele origin: germline.
Comment: This sequence change replaces arginine, which is basic and polar, with glutamine, which is neutral and polar, at codon 288 of the PLVAP protein (p.Arg288Gln). This variant is present in population databases (rs150260311, gnomAD 0.01%). This variant has not been reported in the literature in individuals affected with PLVAP-related conditions. Algorithms developed to predict the effect of missense changes on protein structure and function output the following: SIFT: "Tolerated"; PolyPhen-2: "Benign"; Align-GVGD: "Class C0". The glutamine amino acid residue is found in multiple mammalian species, which suggests that this missense change does not adversely affect protein function. In summary, the available evidence is currently insufficient to determine the role of this variant in disease. Therefore, it has been classified as a Variant of Uncertain Significance.